The following is an entry in ClinVar:

NM_002907.4(RECQL):c.854A>G (p.Asn285Ser)

Gene: RECQL (RecQ like helicase; minus strand). Cytogenetic location: 12p12.1.
Variant type: single nucleotide variant.
Coding change: c.854A>G on transcript NM_002907.4 (MANE Select); coding-DNA position 854, A replaced by G.
Protein change: p.Asn285Ser; replaces asparagine 285 with serine.
Molecular consequence: missense variant.
Genome position (GRCh38, 1-based): chr12:21,477,816, T>C on the plus strand (A>G on the coding strand, the complement: RECQL is on the minus strand). VCF-style: chr12-21477816-T-C. GRCh37 (hg19) VCF-style: chr12-21630750-T-C.
Other names: c.854A>G, p.Asn285Ser (NM_032941.3); short protein forms N285S.
Identifiers: ClinVar variation 1715613 (VCV001715613.8), dbSNP rs754058832, ClinGen allele CA384123947.

ClinVar aggregate classification (germline): Uncertain significance. Review status: criteria provided, multiple submitters, no conflicts (2 of 4 stars). 2 submissions from 2 submitters: Uncertain significance (2). Last evaluated 2023-11-10.

gnomAD v4.1: 2 of 1,611,746 alleles (0.00012%); highest among the groups gnomAD compares: Non-Finnish European, 0.00017%; no homozygotes.

Submissions (2):

Ambry Genetics
Classification: Uncertain significance. Last evaluated: 2023-11-10. Review status: criteria provided, single submitter. Criteria: Ambry Variant Classification Scheme 2023. Collection method: clinical testing. Allele origin: germline.
Comment: The p.N285S variant (also known as c.854A>G), located in coding exon 6 of the RECQL gene, results from an A to G substitution at nucleotide position 854. The asparagine at codon 285 is replaced by serine, an amino acid with highly similar properties. This amino acid position is highly conserved in available vertebrate species. In addition, this alteration is predicted to be tolerated by in silico analysis. Since supporting evidence is limited at this time, the clinical significance of this alteration remains unclear.

Labcorp Genetics (formerly Invitae), Labcorp
Classification: Uncertain significance. Last evaluated: 2022-08-07. Review status: criteria provided, single submitter. Criteria: Invitae Variant Classification Sherloc (09022015). Collection method: clinical testing. Allele origin: germline.
Comment: In summary, the available evidence is currently insufficient to determine the role of this variant in disease. Therefore, it has been classified as a Variant of Uncertain Significance. Algorithms developed to predict the effect of missense changes on protein structure and function (SIFT, PolyPhen-2, Align-GVGD) all suggest that this variant is likely to be disruptive. This variant has not been reported in the literature in individuals affected with RECQL-related conditions. This variant is not present in population databases (gnomAD no frequency). This sequence change replaces asparagine, which is neutral and polar, with serine, which is neutral and polar, at codon 285 of the RECQL protein (p.Asn285Ser).